The following is an entry in ClinVar:

NM_002474.3(MYH11):c.2362G>C (p.Asp788His)

Gene: MYH11 (myosin heavy chain 11; minus strand). Cytogenetic location: 16p13.11.
Variant type: single nucleotide variant.
Coding change: c.2362G>C on transcript NM_002474.3 (MANE Select); coding-DNA position 2362, G replaced by C.
Protein change: p.Asp788His; replaces aspartic acid 788 with histidine.
Molecular consequence: missense variant.
Genome position (GRCh38, 1-based): chr16:15,747,619, C>G on the plus strand (G>C on the coding strand, the complement: MYH11 is on the minus strand). VCF-style: chr16-15747619-C-G. GRCh37 (hg19) VCF-style: chr16-15841476-C-G.
Other names: c.2383G>C, p.Asp795His (NM_001040113.2, NM_001040114.2); c.2362G>C, p.Asp788His (NM_022844.3); short protein forms D788H, D795H.
Identifiers: ClinVar variation 3073197 (VCV003073197.1), dbSNP rs768858261, ClinGen allele CA394867227.

ClinVar aggregate classification (germline): Uncertain significance (1 of 4 stars; one submission).

Conditions:
Familial thoracic aortic aneurysm and aortic dissection (TAAD). Also called: Thoracic aortic aneurysms and dissections. Identifiers: Orphanet 91387, MedGen C4707243, MONDO:0019625.

Submission:

All of Us Research Program, National Institutes of Health
Classification: Uncertain significance for Familial thoracic aortic aneurysm and aortic dissection. Last evaluated: 2023-08-28. Review status: criteria provided, single submitter. Criteria: ACMG Guidelines, 2015. Collection method: clinical testing. Allele origin: germline. Inheritance: Autosomal dominant inheritance. Observed: 1 variant allele, 1 heterozygote.
Comment: This missense variant replaces aspartic acid with histidine at codon 795 of the MYH11 protein. Computational prediction is inconclusive regarding the impact of this variant on protein structure and function (internally defined REVEL score threshold 0.5 < inconclusive < 0.7, PMID: 27666373). To our knowledge, functional studies have not been reported for this variant. This variant has not been reported in individuals affected with MYH11-related disorders in the literature. This variant has not been identified in the general population by the Genome Aggregation Database (gnomAD). The available evidence is insufficient to determine the role of this variant in disease conclusively. Therefore, this variant is classified as a Variant of Uncertain Significance.

This study involves interpretation of variants in research participants for the purpose of population health screening. Participant phenotype was not available at the time of variant classification. Additional details can be found in publication PMID: 35346344, PMCID: PMC8962531